The following is an entry in ClinVar:

ClinVar aggregate classification (germline): Uncertain significance (1 of 4 stars; one submission).

Conditions:
Joubert syndrome 18 (JBTS18). Identifiers: Orphanet 2754, MedGen C3553758, MONDO:0013896, OMIM 614815.
Orofacial-digital syndrome IV (OFD4). Also called: BARAITSER-BURN SYNDROME; MOHR-MAJEWSKI SYNDROME; OFD SYNDROME WITH TIBIAL DEFECTS; OFD SYNDROME, BARAITSER-BURN TYPE; OFDS IV; ORAL-FACIAL-DIGITAL SYNDROME, TYPE IV. Identifiers: Orphanet 2753, MedGen C0406727, MONDO:0009794, OMIM 258860.

Submission:

Labcorp Genetics (formerly Invitae), Labcorp
Classification: Uncertain significance for Joubert syndrome 18; Orofacial-digital syndrome IV. Last evaluated: 2021-10-28. Review status: criteria provided, single submitter. Criteria: Invitae Variant Classification Sherloc (09022015). Collection method: clinical testing. Allele origin: germline.
Comment: This variant is not present in population databases (gnomAD no frequency). In summary, the available evidence is currently insufficient to determine the role of this variant in disease. Therefore, it has been classified as a Variant of Uncertain Significance. Algorithms developed to predict the effect of missense changes on protein structure and function are either unavailable or do not agree on the potential impact of this missense change (SIFT: "Deleterious"; PolyPhen-2: "Possibly Damaging"; Align-GVGD: "Class C0"). This variant has not been reported in the literature in individuals affected with TCTN3-related conditions. This sequence change replaces isoleucine, which is neutral and non-polar, with leucine, which is neutral and non-polar, at codon 328 of the TCTN3 protein (p.Ile328Leu).

NM_015631.6(TCTN3):c.982A>T (p.Ile328Leu)

Gene: TCTN3 (tectonic family member 3; minus strand). Cytogenetic location: 10q24.1.
Variant type: single nucleotide variant.
Coding change: c.982A>T on transcript NM_015631.6 (MANE Select); coding-DNA position 982, A replaced by T.
Protein change: p.Ile328Leu; replaces isoleucine 328 with leucine.
Molecular consequence: missense variant. On other transcripts: intron variant (1).
Genome position (GRCh38, 1-based): chr10:95,684,612, T>A on the plus strand (A>T on the coding strand, the complement: TCTN3 is on the minus strand). VCF-style: chr10-95684612-T-A. GRCh37 (hg19) VCF-style: chr10-97444369-T-A.
Other names: c.652-983A>T (NM_001143973.2); short protein forms I328L.
Identifiers: ClinVar variation 1389879 (VCV001389879.6), dbSNP rs1267152740, ClinGen allele CA377704974.
Genomic context (GRCh38, chr10:95,684,612, plus strand): 5'-GGTTGGTTTGTCCCAAACTGACAGAAACTTTCTGGATTCCAAAAGTCCCATTGGTCTCTA[T>A]CTCATAGGTGACCTGAAATGCAAAAAGAATCAATTAATAAAAAGTAGTTATTGGGCCGAA-3'
Protein context (NP_056446.4, residues 318-338): QNVVSQVTYE[Ile328Leu]ETNGTFGIQK